The following is an entry in ClinVar:

NM_013275.6(ANKRD11):c.4609G>A (p.Gly1537Ser)

Gene: ANKRD11 (ankyrin repeat domain 11; minus strand). Cytogenetic location: 16q24.3.
Variant type: single nucleotide variant.
Coding change: c.4609G>A on transcript NM_013275.6 (MANE Select); coding-DNA position 4609, G replaced by A.
Protein change: p.Gly1537Ser; replaces glycine 1537 with serine.
Molecular consequence: missense variant.
Genome position (GRCh38, 1-based): chr16:89,281,933, C>T on the plus strand (G>A on the coding strand, the complement: ANKRD11 is on the minus strand). VCF-style: chr16-89281933-C-T. GRCh37 (hg19) VCF-style: chr16-89348341-C-T.
Other names: c.4609G>A, p.Gly1537Ser (NM_001256182.2, NM_001256183.2); short protein forms G1537S.
Identifiers: ClinVar variation 458785 (VCV000458785.13), dbSNP rs1347006212, ClinGen allele CA397157201.

ClinVar aggregate classification (germline): Conflicting classifications of pathogenicity. Review status: criteria provided, conflicting classifications (1 of 4 stars). 2 submissions from 2 submitters: Uncertain significance (1); Likely benign (1). Last evaluated 2025-10-16.

Conditions:
Inborn genetic diseases. Identifiers: MedGen C0950123, MeSH D030342.
KBG syndrome (KBGS). Also called: ANKRD11-Related KBG Syndrome. Identifiers: Orphanet 2332, MedGen C0220687, MONDO:0007846, OMIM 148050.

Allele frequency attached by ClinVar (database versions not stated): gnomAD exomes below 0.00001; TOPMed below 0.00001; gnomAD 0.00001.
gnomAD v4.1: 4 of 1,612,942 alleles (0.00025%); highest among the groups gnomAD compares: Admixed American, 0.0017%; no homozygotes.

Submissions (2):

Labcorp Genetics (formerly Invitae), Labcorp
Classification: Uncertain significance for KBG syndrome. Last evaluated: 2025-10-16. Review status: criteria provided, single submitter. Criteria: Invitae Variant Classification Sherloc (09022015). Collection method: clinical testing. Allele origin: germline.
Comment: This sequence change replaces glycine, which is neutral and non-polar, with serine, which is neutral and polar, at codon 1537 of the ANKRD11 protein (p.Gly1537Ser). This variant is present in population databases (no rsID available, gnomAD 0.003%). This variant has not been reported in the literature in individuals affected with ANKRD11-related conditions. ClinVar contains an entry for this variant (Variation ID: 458785). Invitae Evidence Modeling of protein sequence and biophysical properties (such as structural, functional, and spatial information, amino acid conservation, physicochemical variation, residue mobility, and thermodynamic stability) indicates that this missense variant is not expected to disrupt ANKRD11 protein function with a negative predictive value of 95%. In summary, the available evidence is currently insufficient to determine the role of this variant in disease. Therefore, it has been classified as a Variant of Uncertain Significance.

Ambry Genetics
Classification: Likely benign for Inborn genetic diseases. Last evaluated: 2018-06-21. Review status: criteria provided, single submitter. Criteria: Ambry Variant Classification Scheme 2023. Collection method: clinical testing. Allele origin: germline.